The following is an entry in ClinVar:

ClinVar aggregate classification (germline): Uncertain significance (1 of 4 stars; one submission).

Conditions:
LAMA2-related muscular dystrophy (LAMA2-RD). Also called: Laminin alpha 2-related dystrophy. Identifiers: MedGen C5679788, MONDO:0100228.

Allele frequency attached by ClinVar (database versions not stated): gnomAD exomes below 0.00001; ExAC 0.00001.
gnomAD v4.1: 2 of 1,613,864 alleles (0.00012%); highest among the groups gnomAD compares: Non-Finnish European, 0.00017%; no homozygotes.

Submission:

Labcorp Genetics (formerly Invitae), Labcorp
Classification: Uncertain significance for LAMA2-related muscular dystrophy. Last evaluated: 2024-02-24. Review status: criteria provided, single submitter. Criteria: Invitae Variant Classification Sherloc (09022015). Collection method: clinical testing. Allele origin: germline.
Comment: This sequence change replaces glycine, which is neutral and non-polar, with alanine, which is neutral and non-polar, at codon 396 of the LAMA2 protein (p.Gly396Ala). This variant is present in population databases (rs756788810, gnomAD 0.0009%). This variant has not been reported in the literature in individuals affected with LAMA2-related conditions. ClinVar contains an entry for this variant (Variation ID: 1961715). Advanced modeling of protein sequence and biophysical properties (such as structural, functional, and spatial information, amino acid conservation, physicochemical variation, residue mobility, and thermodynamic stability) performed at Invitae indicates that this missense variant is not expected to disrupt LAMA2 protein function with a negative predictive value of 95%. In summary, the available evidence is currently insufficient to determine the role of this variant in disease. Therefore, it has been classified as a Variant of Uncertain Significance.

NM_000426.4(LAMA2):c.1187G>C (p.Gly396Ala)

Gene: LAMA2 (laminin subunit alpha 2; plus strand). Cytogenetic location: 6q22.33.
Variant type: single nucleotide variant.
Coding change: c.1187G>C on transcript NM_000426.4 (MANE Select); coding-DNA position 1187, G replaced by C.
Protein change: p.Gly396Ala; replaces glycine 396 with alanine.
Molecular consequence: missense variant.
Genome position (GRCh38, 1-based): chr6:129,154,664, G>C. VCF-style: chr6-129154664-G-C. GRCh37 (hg19) VCF-style: chr6-129475809-G-C.
Other names: c.1187G>C, p.Gly396Ala (NM_001079823.2); short protein forms G396A.
Identifiers: ClinVar variation 1961715 (VCV001961715.5), dbSNP rs756788810, ClinGen allele CA3992534.